The following is an entry in ClinVar:

ClinVar aggregate classification (germline): Uncertain significance. Review status: criteria provided, multiple submitters, no conflicts (2 of 4 stars). 15 submissions from 11 submitters: Uncertain significance (14). 1 of the submissions does not count toward it. Last evaluated 2026-09-16.

Conditions:
MYO7A-related disorder. Also called: MYO7A-related disorders.
Autosomal dominant nonsyndromic hearing loss 11. Identifiers: Orphanet 90635, MedGen C1832475, MONDO:0011032, OMIM 601317.
Usher syndrome type 1 (USH1). Also called: RETINITIS PIGMENTOSA AND CONGENITAL DEAFNESS. Identifiers: Orphanet 231169, Orphanet 886, MedGen C1568247, MONDO:0010168, OMIM 276900.
Autosomal recessive nonsyndromic hearing loss 2. Also called: NEUROSENSORY NONSYNDROMIC RECESSIVE DEAFNESS 2; DEAFNESS, AUTOSOMAL RECESSIVE 2. Identifiers: Orphanet 90636, MedGen C1838701, MONDO:0010807, OMIM 600060.
Usher syndrome type 1B (USH1B). Also called: Usher syndrome type IB. Identifiers: MedGen C1848638, MONDO:0700087.

Allele frequency attached by ClinVar (database versions not stated): gnomAD 0.00003; TOPMed 0.00005; gnomAD exomes 0.00008; ExAC 0.00010.
gnomAD v4.1: 108 of 1,565,224 alleles (0.0069%); highest among the groups gnomAD compares: South Asian, 0.011%; no homozygotes.

Submissions (15):

PreventionGenetics, part of Exact Sciences
Classification: Uncertain significance for MYO7A-related condition. Last evaluated: 2026-09-16. Review status: criteria provided, single submitter. Criteria: ACMG Guidelines, 2015. Collection method: clinical testing. Allele origin: germline.
Comment: The MYO7A c.3659C>T variant is predicted to result in the amino acid substitution p.Pro1220Leu. This variant has been noted in combination with another MYO7A variant in an individual with retinal dystrophy without hearing loss (Yaman et al. 2024. PubMed ID: 40007671). Although this variant has been reported in a heterozygous or homozygous state in three unrelated individuals with hearing loss (Bonnet et al. 2011. PubMed ID: 21569298; Budde et al. 2020. PubMed ID: 32279305; Vallian Broojeni et al. 2023. PubMed ID: 37561809), the individual with Usher syndrome and the two homozygous siblings were all noted to have other genetic variants that were thought causative for their disorders (Bonnet et al. 2011. PubMed ID: 21569298; Budde et al. 2020. PubMed ID: 32279305). This variant is reported in 0.014% of alleles in individuals of European (non-Finnish) descent in gnomAD. This variant is classified as uncertain in ClinVar. At this time, the clinical significance of this variant is uncertain due to the absence of conclusive functional and genetic evidence.

CeGaT Center for Human Genetics Tuebingen
Classification: Uncertain significance. Last evaluated: 2026-06-01. Review status: criteria provided, single submitter. Criteria: CeGaT Center For Human Genetics Tuebingen Variant Classification Criteria Version 2. Collection method: clinical testing. Allele origin: germline. Affected: yes. Observed: 1 variant allele.
Comment: MYO7A: PM2, PP3

GeneDx
Classification: Uncertain significance. Last evaluated: 2025-11-11. Review status: criteria provided, single submitter. Criteria: GeneDx Variant Classification Process June 2021. Collection method: clinical testing. Allele origin: germline. Affected: yes.
Comment: Identified in the heterozygous state in a patient with Usher syndrome in published literature (PMID: 21569298) who was also heterozygous for two other USH2A variants in trans; In silico analysis supports that this missense variant has a deleterious effect on protein structure/function; This variant is associated with the following publications: (PMID: 30245029, 34426522, 21569298, 32279305, 37561809)

Blueprint Genetics
Classification: Uncertain significance. Last evaluated: 2024-10-30. Review status: criteria provided, single submitter. Criteria: ACMG Guidelines, 2015. Collection method: clinical testing. Allele origin: germline.

Labcorp Genetics (formerly Invitae), Labcorp
Classification: Uncertain significance. Last evaluated: 2022-10-04. Review status: criteria provided, single submitter. Criteria: Invitae Variant Classification Sherloc (09022015). Collection method: clinical testing. Allele origin: germline.
Comment: This sequence change replaces proline, which is neutral and non-polar, with leucine, which is neutral and non-polar, at codon 1220 of the MYO7A protein (p.Pro1220Leu). This variant is present in population databases (rs727504710, gnomAD 0.01%). This missense change has been observed in individual(s) with clinical features of Usher syndrome (PMID: 21569298). ClinVar contains an entry for this variant (Variation ID: 179208). Advanced modeling of protein sequence and biophysical properties (such as structural, functional, and spatial information, amino acid conservation, physicochemical variation, residue mobility, and thermodynamic stability) performed at Invitae indicates that this missense variant is expected to disrupt MYO7A protein function. In summary, the available evidence is currently insufficient to determine the role of this variant in disease. Therefore, it has been classified as a Variant of Uncertain Significance.

Fulgent Genetics
Classification: Uncertain significance for Usher syndrome type 1; Autosomal recessive nonsyndromic hearing loss 2; Autosomal dominant nonsyndromic hearing loss 11. Last evaluated: 2022-05-31. Review status: criteria provided, single submitter. Criteria: ACMG Guidelines, 2015. Collection method: clinical testing. Allele origin: unknown.

Genome-Nilou Lab
Classification: Uncertain significance for Autosomal dominant nonsyndromic hearing loss 11. Last evaluated: 2021-07-14. Review status: criteria provided, single submitter. Criteria: ACMG Guidelines, 2015. Collection method: clinical testing. Allele origin: germline. Affected: no.

Genome-Nilou Lab
Classification: Uncertain significance for Autosomal recessive nonsyndromic hearing loss 2. Last evaluated: 2021-07-14. Review status: criteria provided, single submitter. Criteria: ACMG Guidelines, 2015. Collection method: clinical testing. Allele origin: germline. Affected: no.

Genome-Nilou Lab
Classification: Uncertain significance for Usher syndrome type 1. Last evaluated: 2021-07-14. Review status: criteria provided, single submitter. Criteria: ACMG Guidelines, 2015. Collection method: clinical testing. Allele origin: germline. Affected: no.

Mendelics
Classification: Uncertain significance for Autosomal recessive nonsyndromic hearing loss 2. Last evaluated: 2019-05-28. Review status: criteria provided, single submitter. Criteria: Mendelics Assertion Criteria 2017. Collection method: clinical testing. Allele origin: unknown.

Illumina Laboratory Services, Illumina
Classification: Uncertain significance for Usher syndrome type 1. Last evaluated: 2017-04-28. Review status: criteria provided, single submitter. Criteria: ICSL Variant Classification Criteria 13 December 2019. Collection method: clinical testing. Allele origin: germline.
Comment: This variant was observed as part of a predisposition screen in an ostensibly healthy population. A literature search was performed for the gene, cDNA change, and amino acid change (where applicable). Publications were found based on this search. However, the evidence from the literature, in combination with allele frequency data from public databases where available, was not sufficient to rule this variant in or out of causing disease. Therefore, this variant is classified as a variant of unknown significance.

Illumina Laboratory Services, Illumina
Classification: Uncertain significance for Autosomal recessive nonsyndromic hearing loss 2. Last evaluated: 2017-04-28. Review status: criteria provided, single submitter. Criteria: ICSL Variant Classification Criteria 13 December 2019. Collection method: clinical testing. Allele origin: germline.

Illumina Laboratory Services, Illumina
Classification: Uncertain significance for Autosomal dominant nonsyndromic hearing loss 11. Last evaluated: 2017-04-28. Review status: criteria provided, single submitter. Criteria: ICSL Variant Classification Criteria 13 December 2019. Collection method: clinical testing. Allele origin: germline.

Laboratory for Molecular Medicine, Mass General Brigham Personalized Medicine
Classification: Uncertain significance. Last evaluated: 2016-06-23. Review status: criteria provided, single submitter. Criteria: LMM Criteria. Collection method: clinical testing. Allele origin: germline. Observed: 2 variant alleles.
Comment: Variant classified as Uncertain Significance - Favor Benign. This variant has been identified in 1/9144 European chromosomes by the Exome Aggregation Consortium ( ExAC; dbSNP rs727504710). Computational predicti on tools and conservation analyses suggest that this variant may impact the prot ein, though this information is not predictive enough to determine pathogenicity . In summary, while the clinical significance of the p.Pro1220Leu variant is unc ertain, its presence in previously reported affected individuals who had alterna te explanations for the hearing loss suggests a more likely benign role for this variant.

Natera, Inc.
Classification: Uncertain significance for Usher syndrome type 1B. Last evaluated: 2020-09-16. Review status: no assertion criteria provided. Collection method: clinical testing. Allele origin: germline. Not counted in ClinVar's aggregate classification.

Literature cited by the submitters: PubMed 21569298 (cited by 3 submitters).

NM_000260.4(MYO7A):c.3659C>T (p.Pro1220Leu)

Gene: MYO7A (myosin VIIA; plus strand). Cytogenetic location: 11q13.5.
Variant type: single nucleotide variant.
Coding change: c.3659C>T on transcript NM_000260.4 (MANE Select); coding-DNA position 3659, C replaced by T.
Protein change: p.Pro1220Leu; replaces proline 1220 with leucine.
Molecular consequence: missense variant.
Genome position (GRCh38, 1-based): chr11:77,190,048, C>T. VCF-style: chr11-77190048-C-T. GRCh37 (hg19) VCF-style: chr11-76901093-C-T.
Other names: c.3659C>T, p.Pro1220Leu (NM_001127180.2); c.3626C>T, p.Pro1209Leu (NM_001369365.1); short protein forms P1220L, P1209L.
Identifiers: ClinVar variation 179208 (VCV000179208.23), dbSNP rs727504710, ClinGen allele CA183955.